The following is an entry in ClinVar:

NM_194318.4(B3GLCT):c.496G>A (p.Ala166Thr)

Gene: B3GLCT (beta 3-glucosyltransferase; plus strand). Cytogenetic location: 13q12.3.
Variant type: single nucleotide variant.
Coding change: c.496G>A on transcript NM_194318.4 (MANE Select); coding-DNA position 496, G replaced by A.
Protein change: p.Ala166Thr; replaces alanine 166 with threonine.
Molecular consequence: missense variant.
Genome position (GRCh38, 1-based): chr13:31,260,982, G>A. VCF-style: chr13-31260982-G-A. GRCh37 (hg19) VCF-style: chr13-31835119-G-A.
Other names: short protein forms A166T.
Identifiers: ClinVar variation 1896111 (VCV001896111.5), dbSNP rs2500672961, ClinGen allele CA387719866.

ClinVar aggregate classification (germline): Uncertain significance (1 of 4 stars; one submission).

Conditions:
Peters plus syndrome. Also called: KRAUSE-KIVLIN SYNDROME. Identifiers: Orphanet 709, MedGen C0796012, MONDO:0009856, OMIM 261540.

Submission:

Labcorp Genetics (formerly Invitae), Labcorp
Classification: Uncertain significance for Peters plus syndrome. Last evaluated: 2022-03-17. Review status: criteria provided, single submitter. Criteria: Invitae Variant Classification Sherloc (09022015). Collection method: clinical testing. Allele origin: germline.
Comment: In summary, the available evidence is currently insufficient to determine the role of this variant in disease. Therefore, it has been classified as a Variant of Uncertain Significance. Algorithms developed to predict the effect of missense changes on protein structure and function (SIFT, PolyPhen-2, Align-GVGD) all suggest that this variant is likely to be tolerated. This variant has not been reported in the literature in individuals affected with B3GLCT-related conditions. This variant is not present in population databases (gnomAD no frequency). This sequence change replaces alanine, which is neutral and non-polar, with threonine, which is neutral and polar, at codon 166 of the B3GLCT protein (p.Ala166Thr).